The following is an entry in ClinVar:

NM_001206744.2(TPO):c.1687del (p.Arg563fs)

Genes: LALTOP (lung cancer associated lncRNA targeting TOP2A; minus strand), TPO (thyroid peroxidase; plus strand). Cytogenetic location: 2p25.3.
Variant type: Deletion.
Coding change: c.1687del on transcript NM_001206744.2 (MANE Select); coding-DNA position 1687, one base deleted (A; older notation c.1687delA).
Protein change: p.Arg563fs; shifts the reading frame from arginine 563.
Molecular consequence: frameshift variant. On other transcripts: intron variant (2).
Genome position (GRCh38, 1-based): chr2:1,487,910, A deleted; the last of 3 consecutive A bases (chr2:1,487,908-1,487,910); deleting any one gives the same sequence. VCF-style (leftmost placement, unchanged base first): chr2-1487907-GA-G. GRCh37 (hg19) VCF-style: chr2-1491679-GA-G.
Other names: c.1687del, p.Arg563fs (NM_000547.6, NM_175721.3); c.1168del, p.Arg390fs (NM_175722.3); c.1597+3056del (NM_175719.4, NM_001206745.2); short protein forms R390fs, R563fs.
Identifiers: ClinVar variation 2846228 (VCV002846228.3), dbSNP rs2546193322, ClinGen allele CA2657646497.
Genomic context (GRCh38, chr2:1,487,907, plus strand): 5'-CTTCTTGCAAGACCAGCCAAACTGCAGGTGCAGGATCAGCTGATGAACGAGGAGCTGACG[GA>G]AAGGCTCTTTGTGCTGTCCAATTCCAGCACCTTGGATCTGGCGTCCATCAACCTGCAGAG-3'

ClinVar aggregate classification (germline): Pathogenic (1 of 4 stars; one submission).

Submission:

Labcorp Genetics (formerly Invitae), Labcorp
Classification: Pathogenic. Last evaluated: 2023-03-16. Review status: criteria provided, single submitter. Criteria: Invitae Variant Classification Sherloc (09022015). Collection method: clinical testing. Allele origin: germline.
Comment: This variant has not been reported in the literature in individuals affected with TPO-related conditions. This variant is not present in population databases (gnomAD no frequency). This sequence change creates a premature translational stop signal (p.Arg563Glyfs*47) in the TPO gene. It is expected to result in an absent or disrupted protein product. Loss-of-function variants in TPO are known to be pathogenic (PMID: 11061528, 23236987, 25564141). For these reasons, this variant has been classified as Pathogenic.

Literature cited by the submitters: PubMed 11061528; PubMed 23236987; PubMed 25564141.